The following is an entry in ClinVar:

ClinVar aggregate classification (germline): Conflicting classifications of pathogenicity. Review status: criteria provided, conflicting classifications (1 of 4 stars). 6 submissions from 6 submitters: Likely pathogenic (3); Uncertain significance (1). 2 of the submissions do not count toward it. Last evaluated 2025-06-13.

Conditions:
Spastic ataxia 5. Also called: Spastic Ataxia Type 5 (SPAX5). Identifiers: Orphanet 313772, MedGen C3280977, MONDO:0013776, OMIM 614487.
Spinocerebellar ataxia type 28 (SCA28). Also called: Spinocerebellar Ataxia Type 28 (SCA28). Identifiers: Orphanet 101109, MedGen C1853249, MONDO:0012450, OMIM 610246.

Allele frequency attached by ClinVar (database versions not stated): gnomAD exomes below 0.00001; ExAC 0.00001.
gnomAD v4.1: 6 of 1,614,152 alleles (0.00037%); highest among the groups gnomAD compares: Non-Finnish European, 0.00051%; no homozygotes.

Submissions (6):

Dasa
Classification: Likely pathogenic. Last evaluated: 2025-06-13. Review status: criteria provided, single submitter. Criteria: DASA Assertion Criteria. Collection method: clinical testing. Allele origin: germline.
Comment: NM_006796.3(AFG3L2):c.1875G>A (p.Met625Ile) is a missense variant that results in the substitution of methionine with isoleucine. The affected residue or protein region has prior evidence supporting clinical relevance. This variant has been recurrently observed in individuals with AFG3L2-related disorders (PMID: 25401298; PMID: 37804316). Functional evidence supports an impact on the gene or gene product (PMID: 25401298; PMID: 37804316). Also, this variant is rare in population databases. Computational evidence supports a deleterious effect. Based on the currently available evidence, this variant is classified as likely pathogenic.

Women's Health and Genetics/Laboratory Corporation of America, LabCorp
Classification: Likely pathogenic for Spinocerebellar ataxia type 28. Last evaluated: 2022-05-03. Review status: criteria provided, single submitter. Criteria: LabCorp Variant Classification Summary - May 2015. Collection method: clinical testing. Allele origin: germline.
Comment: Variant summary: AFG3L2 c.1875G>A (p.Met625Ile) results in a conservative amino acid change located in the Peptidase M41 domain (IPR000642) of the encoded protein sequence. Three of five in-silico tools predict a benign effect of the variant on protein function. The variant allele was found at a frequency of 4e-06 in 251482 control chromosomes (gnomAD). c.1875G>A has been reported in the literature in two unrelated homozygous individuals affected with Progressive Myoclonus Epilepsy (Muona_2015). These data indicate that the variant is likely to be associated with disease. To our knowledge, no experimental evidence demonstrating an impact on protein function has been reported. One ClinVar submitter has assessed this variant since 2014: the variant was classified as pathogenic. Based on the evidence outlined above, the variant was classified as likely pathogenic.

Revvity Omics, Revvity
Classification: Likely pathogenic. Last evaluated: 2021-12-22. Review status: criteria provided, single submitter. Criteria: ACMG Guidelines, 2015. Collection method: clinical testing. Allele origin: germline.

Blueprint Genetics
Classification: Uncertain significance. Last evaluated: 2020-04-09. Review status: criteria provided, single submitter. Criteria: ACMG Guidelines, 2015. Collection method: clinical testing. Allele origin: germline.

Undiagnosed Diseases Network, NIH
Classification: Uncertain significance for Spastic ataxia 5. Last evaluated: 2022-08-03. Review status: no assertion criteria provided. Collection method: clinical testing. Allele origin: paternal. Affected: yes. Observed: 1 variant allele, 1 compound heterozygote. Study: Undiagnosed Diseases Network (NIH), UDN. Not counted in ClinVar's aggregate classification.

OMIM
Classification: Pathogenic for SPASTIC ATAXIA 5, AUTOSOMAL RECESSIVE. Last evaluated: 2015-01-01. Review status: no assertion criteria provided. Collection method: literature only. Allele origin: germline. Not counted in ClinVar's aggregate classification.

Literature cited by the submitters: PubMed 25401298 (cited by 3 submitters); PubMed 37804316 (cited by Dasa and OMIM).

NM_006796.3(AFG3L2):c.1875G>A (p.Met625Ile)

Gene: AFG3L2 (AFG3 like matrix AAA peptidase subunit 2; minus strand). Cytogenetic location: 18p11.21.
Variant type: single nucleotide variant.
Coding change: c.1875G>A on transcript NM_006796.3 (MANE Select); coding-DNA position 1875, G replaced by A.
Protein change: p.Met625Ile; replaces methionine 625 with isoleucine.
Molecular consequence: missense variant.
Genome position (GRCh38, 1-based): chr18:12,340,306, C>T on the plus strand (G>A on the coding strand, the complement: AFG3L2 is on the minus strand). VCF-style: chr18-12340306-C-T. GRCh37 (hg19) VCF-style: chr18-12340305-C-T.
Other names: p.Met625Ile; short protein forms M625I.
Identifiers: ClinVar variation 162524 (VCV000162524.11), dbSNP rs727502823, ClinGen allele CA175106.